The following is an entry in ClinVar:

ClinVar aggregate classification (germline): Pathogenic. Review status: criteria provided, multiple submitters, no conflicts (2 of 4 stars). 3 submissions from 3 submitters: Pathogenic (3). Last evaluated 2023-02-28.

Conditions:
Intellectual developmental disorder 62. Also called: INTELLECTUAL DEVELOPMENTAL DISORDER, AUTOSOMAL DOMINANT 62; MENTAL RETARDATION, AUTOSOMAL DOMINANT 62. Identifiers: MedGen C5394083, MONDO:0032919, OMIM 618793.

Submissions (3):

Tumer Group, Copenhagen University Hospital, Rigshospitalet
Classification: Pathogenic for Intellectual developmental disorder 62. Last evaluated: 2023-02-28. Review status: criteria provided, single submitter. Criteria: ACMG Guidelines, 2015. Collection method: research. Allele origin: de novo. Affected: yes.

MGZ Medical Genetics Center
Classification: Pathogenic for Intellectual developmental disorder 62. Last evaluated: 2022-06-27. Review status: criteria provided, single submitter. Criteria: ACMG Guidelines, 2015. Collection method: clinical testing. Allele origin: germline. Affected: yes. Observed: 1 variant allele.
Comment: ACMG criteria applied: PVS1, PM6, PM2_SUP

Institute of Human Genetics, University of Leipzig Medical Center
Classification: Pathogenic for Intellectual developmental disorder 62. Last evaluated: 2021-12-21. Review status: criteria provided, single submitter. Criteria: ACMG Guidelines, 2015. Collection method: research. Allele origin: de novo. Affected: yes.

Literature cited by the submitters: PubMed 33597769 (cited by Institute of Human Genetics, University of Leipzig Medical Center).

NM_001321075.3(DLG4):c.1195C>T (p.Arg399Ter)

Genes: DLG4 (discs large MAGUK scaffold protein 4; minus strand), LOC126862479 (MED14-independent group 3 enhancer GRCh37_chr17:7099412-7100611; plus strand). Cytogenetic location: 17p13.1.
Variant type: single nucleotide variant.
Coding change: c.1195C>T on transcript NM_001321075.3 (MANE Select); coding-DNA position 1195, C replaced by T.
Protein change: p.Arg399Ter; replaces arginine 399 with a stop codon.
Molecular consequence: nonsense. On other transcripts: non-coding transcript variant (1).
Genome position (GRCh38, 1-based): chr17:7,196,326, G>A on the plus strand (C>T on the coding strand, the complement: DLG4 is on the minus strand). VCF-style: chr17-7196326-G-A. GRCh37 (hg19) VCF-style: chr17-7099645-G-A.
Other names: c.1186C>T, p.Arg396Ter (NM_001128827.4); c.1315C>T, p.Arg439Ter (NM_001321074.1); c.1015C>T, p.Arg339Ter (NM_001321076.3, NM_001321077.3); c.1324C>T, p.Arg442Ter (NM_001365.5); c.1114C>T, p.Arg372Ter (NM_001369566.3); short protein forms R339*, R372*, R396*, R399*, R439*, R442*.
Identifiers: ClinVar variation 1329892 (VCV001329892.4), dbSNP rs2069779430, ClinGen allele CA397716167.